The following is an entry in ClinVar:

ClinVar aggregate classification (germline): Uncertain significance. Review status: criteria provided, multiple submitters, no conflicts (2 of 4 stars). 2 submissions from 2 submitters: Uncertain significance (2). Last evaluated 2026-01-15.

Allele frequency attached by ClinVar (database versions not stated): gnomAD exomes 0.00005; ESP Exome Variant Server 0.00008; 1000 Genomes Project 0.00020; gnomAD 0.00003; ExAC 0.00005; 1000 Genomes Project 30x 0.00031.
gnomAD v4.1: 72 of 1,598,078 alleles (0.0045%); highest among the groups gnomAD compares: Admixed American, 0.0085%; no homozygotes.

Submissions (2):

Labcorp Genetics (formerly Invitae), Labcorp
Classification: Uncertain significance. Last evaluated: 2026-01-15. Review status: criteria provided, single submitter. Criteria: Invitae Variant Classification Sherloc (09022015). Collection method: clinical testing. Allele origin: germline.
Comment: This sequence change replaces glutamic acid, which is acidic and polar, with lysine, which is basic and polar, at codon 892 of the FMN1 protein (p.Glu892Lys). This variant is present in population databases (rs201072930, gnomAD 0.01%). This variant has not been reported in the literature in individuals affected with FMN1-related conditions. ClinVar contains an entry for this variant (Variation ID: 2363390). An algorithm developed to predict the effect of missense changes on protein structure and function (PolyPhen-2) suggests that this variant is likely to be disruptive. In summary, the available evidence is currently insufficient to determine the role of this variant in disease. Therefore, it has been classified as a Variant of Uncertain Significance.

Ambry Genetics
Classification: Uncertain significance. Last evaluated: 2025-08-29. Review status: criteria provided, single submitter. Criteria: Ambry Variant Classification Scheme 2023. Collection method: clinical testing. Allele origin: germline.

NM_001277313.2(FMN1):c.3343G>A (p.Glu1115Lys)

Gene: FMN1 (formin 1; minus strand). Cytogenetic location: 15q13.3.
Variant type: single nucleotide variant.
Coding change: c.3343G>A on transcript NM_001277313.2 (MANE Select); coding-DNA position 3343, G replaced by A.
Protein change: p.Glu1115Lys; replaces glutamic acid 1115 with lysine.
Molecular consequence: missense variant.
Genome position (GRCh38, 1-based): chr15:32,908,524, C>T on the plus strand (G>A on the coding strand, the complement: FMN1 is on the minus strand). VCF-style: chr15-32908524-C-T. GRCh37 (hg19) VCF-style: chr15-33200725-C-T.
Other names: c.2674G>A, p.Glu892Lys (NM_001103184.4); short protein forms E1115K, E892K.
Identifiers: ClinVar variation 2363390 (VCV002363390.5), dbSNP rs201072930, ClinGen allele CA7456622.
Genomic context (GRCh38, chr15:32,908,524, plus strand): 5'-AACAGAAAAATGTTAAGTATCCTTACTGCTCAGGTTTATCCAGCAGCTTCAGTTCTTCTT[C>T]TTTGGATGTCTCGTAATACTTTCTTATTTTAACCAGCTCATCCTCTTGGGCTCTCTGTAT-3'
Protein context (NP_001264242.1, residues 1105-1125): KIRKYYETSK[Glu1115Lys]EELKLLDKPE